The following is an entry in ClinVar:

ClinVar aggregate classification (germline): Uncertain significance. Review status: criteria provided, multiple submitters, no conflicts (2 of 4 stars). 2 submissions from 2 submitters: Uncertain significance (2). Last evaluated 2026-02-28.

Conditions:
Inborn genetic diseases. Identifiers: MedGen C0950123, MeSH D030342.

gnomAD v4.1: 1 of 1,613,800 alleles (0.000062%); highest among the groups gnomAD compares: Middle Eastern, 0.017%; no homozygotes.

Submissions (2):

Ambry Genetics
Classification: Uncertain significance for Inborn genetic diseases. Last evaluated: 2026-02-28. Review status: criteria provided, single submitter. Criteria: Ambry Variant Classification Scheme 2023. Collection method: clinical testing. Allele origin: germline.
Comment: The p.I126M variant (also known as c.378C>G), located in coding exon 1 of the SAMD9L gene, results from a C to G substitution at nucleotide position 378. The isoleucine at codon 126 is replaced by methionine, an amino acid with highly similar properties. This amino acid position is conserved. In addition, this alteration is predicted to be tolerated by in silico analysis. Based on the available evidence, the clinical significance of this variant remains unclear.

Labcorp Genetics (formerly Invitae), Labcorp
Classification: Uncertain significance. Last evaluated: 2025-11-03. Review status: criteria provided, single submitter. Criteria: Invitae Variant Classification Sherloc (09022015). Collection method: clinical testing. Allele origin: germline.
Comment: This sequence change replaces isoleucine, which is neutral and non-polar, with methionine, which is neutral and non-polar, at codon 126 of the SAMD9L protein (p.Ile126Met). This variant is not present in population databases (gnomAD no frequency). This variant has not been reported in the literature in individuals affected with SAMD9L-related conditions. ClinVar contains an entry for this variant (Variation ID: 1460735). An algorithm developed to predict the effect of missense changes on protein structure and function outputs the following: PolyPhen-2: "Benign". The methionine amino acid residue is found in multiple mammalian species, which suggests that this missense change does not adversely affect protein function. In summary, the available evidence is currently insufficient to determine the role of this variant in disease. Therefore, it has been classified as a Variant of Uncertain Significance.

NM_152703.5(SAMD9L):c.378C>G (p.Ile126Met)

Gene: SAMD9L (sterile alpha motif domain containing 9 like; minus strand). Cytogenetic location: 7q21.2.
Variant type: single nucleotide variant.
Coding change: c.378C>G on transcript NM_152703.5 (MANE Select); coding-DNA position 378, C replaced by G.
Protein change: p.Ile126Met; replaces isoleucine 126 with methionine.
Molecular consequence: missense variant.
Genome position (GRCh38, 1-based): chr7:93,135,594, G>C on the plus strand (C>G on the coding strand, the complement: SAMD9L is on the minus strand). VCF-style: chr7-93135594-G-C. GRCh37 (hg19) VCF-style: chr7-92764907-G-C.
Other names: c.378C>G, p.Ile126Met (NM_001303496.3, NM_001303497.3, NM_001303498.3 and 5 more transcripts); c.378C>G (NM_152703.2); short protein forms I126M.
Identifiers: ClinVar variation 1460735 (VCV001460735.9), dbSNP rs2116505937, ClinGen allele CA368203595.